The following is an entry in ClinVar:

GRCh37/hg19 5q22.3-23.3(chr5:114966998-129483196)x1

Genes: ADAMTS19 (ADAM metallopeptidase with thrombospondin type 1 motif 19; plus strand), ALDH7A1 (aldehyde dehydrogenase 7 family member A1; minus strand), AP3S1 (adaptor related protein complex 3 subunit sigma 1; plus strand), ARL14EPL (ARF like GTPase 14 effector protein like; plus strand), ATG12 (autophagy related 12; minus strand) and 40 more. Cytogenetic location: 5q22.3-23.3.
Variant type: copy number loss.
Change: copy number 1 (one copy instead of two) of chr5:114,966,998-129,483,196 (14.52 Mb, GRCh37 coordinates, 1-based), cytogenetic band 5q22.3-23.3.
Identifiers: ClinVar variation 4814032 (VCV004814032.1).

ClinVar aggregate classification (germline): Pathogenic (1 of 4 stars; one submission).

Submission:

Department of Pediatrics, Kyoto University Graduate School of Medicine
Classification: Pathogenic. Last evaluated: 2026-02-04. Review status: criteria provided, single submitter. Criteria: ACMG/ClinGen CNV Guidelines, 2019. Collection method: clinical testing. Allele origin: germline. Affected: yes.
Comment: This 14.5 Mb interstitial deletion at 5q22.3-q23.3 was identified by chromosomal microarray analysis (GenetiSure Dx Postnatal Assay) and confirmed by G-band karyotyping (46,XY,del(5)(q22q23.3)). Classified as pathogenic (score: 1.45) based on the ACMG/ClinGen CNV interpretation guidelines (Riggs et al., 2020, PMID: 31690835). Section 2H (+0.15): The deletion encompasses a gene predicted to be haploinsufficient. Section 3C (+0.90): The deletion contains 35 or more protein-coding genes. Section 4C (+0.30): Three published reports describe individuals with overlapping 5q22-q23 deletions presenting with developmental delay, congenital anomalies, and dysmorphic features (PMID: 15742475, 2325108, 25195018). Section 5A (+0.10): The deletion is assumed de novo based on the absence of relevant phenotypic features in both unaffected parents and no remarkable family history. The deletion is absent from the Database of Genomic Variants (DGV) as a common polymorphism.

Literature cited by the submitters: PubMed 15742475; PubMed 2325108; PubMed 25195018.